The following is an entry in ClinVar:

NM_024312.5(GNPTAB):c.2354T>G (p.Leu785Trp)

Gene: GNPTAB (N-acetylglucosamine-1-phosphate transferase subunits alpha and beta; minus strand). Cytogenetic location: 12q23.2.
Variant type: single nucleotide variant.
Coding change: c.2354T>G on transcript NM_024312.5 (MANE Select); coding-DNA position 2354, T replaced by G.
Protein change: p.Leu785Trp; replaces leucine 785 with tryptophan.
Molecular consequence: missense variant.
Genome position (GRCh38, 1-based): chr12:101,764,563, A>C on the plus strand (T>G on the coding strand, the complement: GNPTAB is on the minus strand). VCF-style: chr12-101764563-A-C. GRCh37 (hg19) VCF-style: chr12-102158341-A-C.
Other names: short protein forms L785W.
Identifiers: ClinVar variation 100738 (VCV000100738.5), dbSNP rs144060383, ClinGen allele CA267601.

ClinVar aggregate classification (germline): Conflicting classifications of pathogenicity. Review status: criteria provided, conflicting classifications (1 of 4 stars). 3 submissions from 3 submitters: Likely pathogenic (1); Uncertain significance (1). 1 of the submissions does not count toward it. Last evaluated 2026-06-15.

Conditions:
Pseudo-Hurler polydystrophy. Also called: ML III; ML III ALPHA/BETA; Type III Mucolipidosis; Mucolipidosis III Alpha/Beta; ML IIIA; MUCOLIPIDOSIS IIIA. Identifiers: Orphanet 423461, Orphanet 577, MedGen C0033788, MONDO:0018931, OMIM 252600.
Mucolipidosis type II. Also called: ML II ALPHA/BETA; Mucolipidosis 2; ML 2; Inclusion cell disease; Leroy Disease; N-acetylglucosamine 1phosphotransferase deficiency. Identifiers: Orphanet 576, MedGen C2673377, MONDO:0009650, OMIM 252500.

Allele frequency attached by ClinVar (database versions not stated): TOPMed 0.00002; ExAC 0.00002; gnomAD 0.00002; ESP Exome Variant Server 0.00008; gnomAD exomes 0.00002 and 0.00003.
gnomAD v4.1: 38 of 1,613,398 alleles (0.0024%); highest among the groups gnomAD compares: Non-Finnish European, 0.003%; no homozygotes.

Submissions (3):

Women's Health and Genetics/Laboratory Corporation of America, LabCorp
Classification: Uncertain significance. Last evaluated: 2026-06-15. Review status: criteria provided, single submitter. Criteria: LabCorp Variant Classification Summary - May 2015. Collection method: clinical testing. Allele origin: germline.
Comment: Variant summary: GNPTAB c.2354T>G (p.Leu785Trp) results in a non-conservative amino acid change located in the DMAP1-binding domain of the encoded protein sequence. Algorithms developed to predict the effect of missense changes on protein structure and function are either unavailable or do not agree on the potential impact of this missense change. The variant allele was found at a frequency of 2.8e-05 in 250492 control chromosomes. c.2354T>G has been reported in at least one individual affected with Mucolipidosis (Fernandez-Marmiesse_2014). These data do not allow any conclusion about variant significance. At least one publication reports experimental evidence evaluating an impact on protein function. The most pronounced variant effect results in around 15% of WT activity toward the lysosomal hydrolase alpha-iduronidase (Qian_2015). The following publications have been ascertained in the context of this evaluation (PMID: 24767253, 25505245). ClinVar contains an entry for this variant (Variation ID: 100738). Based on the evidence outlined above, the variant was classified as VUS-possibly pathogenic.

Laboratory of Medical Genetics, National & Kapodistrian University of Athens
Classification: Likely pathogenic for Mucolipidosis type II. Last evaluated: 2024-02-01. Review status: criteria provided, single submitter. Criteria: ACMG Guidelines, 2015. Collection method: curation. Allele origin: germline. Affected: no.

Unidad de Diagnostico y Tratamiento de Errores Congenitos del Metabolismo. Hospital Clínico Universitário de Santiago de Compostela
Classification: Pathogenic for Pseudo-Hurler polydystrophy. Review status: no assertion criteria provided. Collection method: research. Allele origin: inherited. Affected: yes. Not counted in ClinVar's aggregate classification.

Literature cited by the submitters: PubMed 24767253 (cited by Women's Health and Genetics/Laboratory Corporation of America, LabCorp); PubMed 25505245 (cited by Women's Health and Genetics/Laboratory Corporation of America, LabCorp).